The following is an entry in ClinVar:

NM_006432.5(NPC2):c.191-1_193del

Gene: NPC2 (NPC intracellular cholesterol transporter 2; minus strand). Cytogenetic location: 14q24.3.
Variant type: Deletion.
Coding change: c.191-1_193del on transcript NM_006432.5 (MANE Select); the canonical splice acceptor site of the intron before coding-DNA position 191 through coding-DNA position 193, 4 bases deleted (GATA; older notation c.191-1_193delGATA).
Molecular consequence: splice acceptor variant.
Genome position (GRCh38, 1-based): chr14:74,484,585-74,484,588, TATC deleted on the plus strand (GATA on the coding strand, the reverse complement: NPC2 is on the minus strand); deleting any 4 consecutive bases within chr14:74,484,585-74,484,590 gives the same sequence; the c. name uses the placement nearest the transcript's 3' end. VCF-style (leftmost placement, unchanged base first): chr14-74484584-ATATC-A. GRCh37 (hg19) VCF-style: chr14-74951287-ATATC-A.
Other names: c.191-1_193delGATA (NM_006432.3); c.191-1_193del (NM_001363688.1, NM_001375440.1).
Identifiers: ClinVar variation 554877 (VCV000554877.9), dbSNP rs1555345873, ClinGen allele CA658824146.

ClinVar aggregate classification (germline): Likely pathogenic. Review status: criteria provided, single submitter (1 of 4 stars). 2 submissions from 2 submitters: Likely pathogenic (1). 1 of the submissions does not count toward it. Last evaluated 2019-10-21.

Conditions:
Niemann-Pick disease, type C2 (NPC2). Identifiers: Orphanet 646, MedGen C1843366, MONDO:0011873, OMIM 607625.

Submissions (2):

Labcorp Genetics (formerly Invitae), Labcorp
Classification: Likely pathogenic for Niemann-Pick disease, type C2. Last evaluated: 2019-10-21. Review status: criteria provided, single submitter. Criteria: Invitae Variant Classification Sherloc (09022015). Collection method: clinical testing. Allele origin: germline.
Comment: Algorithms developed to predict the effect of sequence changes on RNA splicing suggest that this variant may disrupt the consensus splice site, but this prediction has not been confirmed by published transcriptional studies. In summary, the currently available evidence indicates that the variant is pathogenic, but additional data are needed to prove that conclusively. Therefore, this variant has been classified as Likely Pathogenic. Loss-of-function variants in NPC2 are known to be pathogenic (PMID: 25145893). This variant has not been reported in the literature in individuals with NPC2-related conditions. ClinVar contains an entry for this variant (Variation ID: 554877). This variant is not present in population databases (ExAC no frequency). This variant results in the deletion of part of exon 3 (c.191-1_193del) of the NPC2 gene. It is expected to disrupt RNA splicing and likely results in an absent or disrupted protein product.

Counsyl
Classification: Likely pathogenic for Niemann-Pick disease, type C2. Last evaluated: 2017-11-08. Review status: no assertion criteria provided. Collection method: clinical testing. Allele origin: unknown. Not counted in ClinVar's aggregate classification.

Literature cited by the submitters: PubMed 25145893 (cited by Labcorp Genetics (formerly Invitae), Labcorp).